The following is an entry in ClinVar:

NM_003906.5(MCM3AP):c.3735-3C>A

Gene: MCM3AP (minichromosome maintenance complex component 3 associated protein; minus strand). Cytogenetic location: 21q22.3.
Variant type: single nucleotide variant.
Coding change: c.3735-3C>A on transcript NM_003906.5 (MANE Select); 3 bases into the intron before coding-DNA position 3735, C replaced by A.
Molecular consequence: intron variant.
Genome position (GRCh38, 1-based): chr21:46,256,989, G>T on the plus strand (C>A on the coding strand, the complement: MCM3AP is on the minus strand). VCF-style: chr21-46256989-G-T. GRCh37 (hg19) VCF-style: chr21-47676903-G-T.
Other names: c.3735-3C>A (NM_003906.3, NM_003906.4).
Identifiers: ClinVar variation 1329970 (VCV001329970.32), dbSNP rs371194956, ClinGen allele CA10076383.

ClinVar aggregate classification (germline): Conflicting classifications of pathogenicity. Review status: criteria provided, conflicting classifications (1 of 4 stars). 6 submissions from 6 submitters: Uncertain significance (3); Likely benign (3). Last evaluated 2024-11-27.

Conditions:
Peripheral neuropathy, autosomal recessive, with or without impaired intellectual development. Identifiers: MedGen C4748283, MONDO:0029131, OMIM 618124.
MCM3AP-related disorder. Also called: MCM3AP-related condition.
Inborn genetic diseases. Identifiers: MedGen C0950123, MeSH D030342.

Allele frequency attached by ClinVar (database versions not stated): ESP Exome Variant Server 0.00015; gnomAD 0.00033; ExAC 0.00039.
gnomAD v4.1: 441 of 1,608,698 alleles (0.027%); highest among the groups gnomAD compares: Non-Finnish European, 0.03%; 2 homozygotes.

Submissions (11):

PreventionGenetics, part of Exact Sciences
Classification: Likely benign for MCM3AP-related condition. Last evaluated: 2024-11-27. Review status: criteria provided, single submitter. Criteria: ACMG Guidelines, 2015. Collection method: clinical testing. Allele origin: germline.
Comment: This variant is classified as likely benign based on ACMG/AMP sequence variant interpretation guidelines (Richards et al. 2015 PMID: 25741868, with internal and published modifications).

Blueprint Genetics
Classification: Uncertain significance. Last evaluated: 2024-11-17. Review status: criteria provided, single submitter. Criteria: ACMG Guidelines, 2015. Collection method: clinical testing. Allele origin: germline.

CeGaT Center for Human Genetics Tuebingen
Classification: Likely benign. Last evaluated: 2023-02-01. Review status: criteria provided, single submitter. Criteria: CeGaT Center For Human Genetics Tuebingen Variant Classification Criteria Version 2. Collection method: clinical testing. Allele origin: germline. Affected: yes. Observed: 1 variant allele.
Comment: MCM3AP: BP4

Ambry Genetics
Classification: Uncertain significance for Inborn genetic diseases. Last evaluated: 2022-11-02. Review status: criteria provided, single submitter. Criteria: Ambry Variant Classification Scheme 2023. Collection method: clinical testing. Allele origin: germline.
Comment: The c.3735-3C>A intronic alteration consists of a C to A substitution 3 nucleotides before coding exon 17 in the MCM3AP gene. Based on insufficient or conflicting evidence, the clinical significance of this alteration remains unclear.

Labcorp Genetics (formerly Invitae), Labcorp
Classification: Uncertain significance. Last evaluated: 2022-08-20. Review status: criteria provided, single submitter. Criteria: Invitae Variant Classification Sherloc (09022015). Collection method: clinical testing. Allele origin: germline.
Comment: This sequence change falls in intron 16 of the MCM3AP gene. It does not directly change the encoded amino acid sequence of the MCM3AP protein. It affects a nucleotide within the consensus splice site. This variant is present in population databases (rs371194956, gnomAD 0.1%). This variant has not been reported in the literature in individuals affected with MCM3AP-related conditions. ClinVar contains an entry for this variant (Variation ID: 1329970). Variants that disrupt the consensus splice site are a relatively common cause of aberrant splicing (PMID: 17576681, 9536098). Algorithms developed to predict the effect of sequence changes on RNA splicing suggest that this variant is not likely to affect RNA splicing. In summary, the available evidence is currently insufficient to determine the role of this variant in disease. Therefore, it has been classified as a Variant of Uncertain Significance.

Institute of Human Genetics, University of Leipzig Medical Center
Classification: Likely benign for Peripheral neuropathy, autosomal recessive, with or without impaired intellectual development. Last evaluated: 2022-03-24. Review status: criteria provided, single submitter. Criteria: ACMG Guidelines, 2015. Collection method: clinical testing. Allele origin: maternal.
Comment: This variant was identified as compound heterozygous with NM_003906.5:c.3814G>A. mRNA analysis could not confirm an spicing effect. Criteria applied: PM3, BS3, BP4

Dr. Peter K. Rogan Lab, Western University
No classification provided (evidence only). Condition: Familial cancer of breast. Review status: no classification provided. Collection method: in vitro. Allele origin: not applicable. Functional consequence: retained intron. Not counted in ClinVar's aggregate classification.

Dr. Peter K. Rogan Lab, Western University
No classification provided (evidence only). Condition: Colon adenocarcinoma. Review status: no classification provided. Collection method: in vitro. Allele origin: not applicable. Functional consequence: retained intron. Not counted in ClinVar's aggregate classification.

Dr. Peter K. Rogan Lab, Western University
No classification provided (evidence only). Condition: Colon adenocarcinoma. Review status: no classification provided. Collection method: in vitro. Allele origin: not applicable. Functional consequence: retained intron. Not counted in ClinVar's aggregate classification.

Dr. Peter K. Rogan Lab, Western University
No classification provided (evidence only). Condition: Gastric cancer. Review status: no classification provided. Collection method: in vitro. Allele origin: not applicable. Functional consequence: retained intron. Not counted in ClinVar's aggregate classification.

Dr. Peter K. Rogan Lab, Western University
No classification provided (evidence only). Condition: Gastric cancer. Review status: no classification provided. Collection method: in vitro. Allele origin: not applicable. Functional consequence: retained intron. Not counted in ClinVar's aggregate classification.

Literature cited by the submitters: PubMed 17576681 (cited by Labcorp Genetics (formerly Invitae), Labcorp); PubMed 9536098 (cited by Labcorp Genetics (formerly Invitae), Labcorp).